The following is an entry in ClinVar:

NM_001367873.1(SOX6):c.2169G>A (p.Gln723=)

Gene: SOX6 (SRY-box transcription factor 6; minus strand). Cytogenetic location: 11p15.2.
Variant type: single nucleotide variant.
Coding change: c.2169G>A on transcript NM_001367873.1 (MANE Select); coding-DNA position 2169, G replaced by A.
Protein change: p.Gln723=; no amino-acid change (glutamine 723 retained).
Molecular consequence: synonymous variant.
Genome position (GRCh38, 1-based): chr11:15,986,218, C>T on the plus strand (G>A on the coding strand, the complement: SOX6 is on the minus strand). VCF-style: chr11-15986218-C-T. GRCh37 (hg19) VCF-style: chr11-16007764-C-T.
Other names: c.2088G>A, p.Gln696= (NM_001145811.2, NM_017508.3); c.2169G>A, p.Gln723= (NM_001145819.2); c.2046G>A, p.Gln682= (NM_001367872.1); c.2109G>A, p.Gln703= (NM_033326.3).
Identifiers: ClinVar variation 2641629 (VCV002641629.24), dbSNP rs2493971348, ClinGen allele CA473343608.

ClinVar aggregate classification (germline): Likely benign (1 of 4 stars; one submission).

Allele frequency attached by ClinVar (database versions not stated): gnomAD exomes below 0.00001.
gnomAD v4.1: 1 of 1,614,110 alleles (0.000062%); highest among the groups gnomAD compares: Non-Finnish European, 0.000085%; no homozygotes.

Submission:

CeGaT Center for Human Genetics Tuebingen
Classification: Likely benign. Last evaluated: 2022-10-01. Review status: criteria provided, single submitter. Criteria: CeGaT Center For Human Genetics Tuebingen Variant Classification Criteria Version 2. Collection method: clinical testing. Allele origin: germline. Affected: yes. Observed: 1 variant allele.
Comment: SOX6: PM2:Supporting, BP4, BP7